The following is an entry in ClinVar:

NM_032861.4(SERAC1):c.-2+13G>A

Genes: SERAC1 (serine active site containing 1; minus strand), LOC129997558 (ATAC-STARR-seq lymphoblastoid silent region 17733; plus strand). Cytogenetic location: 6q25.3.
Variant type: single nucleotide variant.
Coding change: c.-2+13G>A on transcript NM_032861.4 (MANE Select); 13 bases into the intron after 2 bases upstream of the start codon, G replaced by A.
Molecular consequence: intron variant.
Genome position (GRCh38, 1-based): chr6:158,168,127, C>T on the plus strand (G>A on the coding strand, the complement: SERAC1 is on the minus strand). VCF-style: chr6-158168127-C-T. GRCh37 (hg19) VCF-style: chr6-158589159-C-T.
Identifiers: ClinVar variation 509458 (VCV000509458.1), dbSNP rs1039073082, ClinGen allele CA150899037.

ClinVar aggregate classification (germline): Likely benign (1 of 4 stars; one submission).

Allele frequency attached by ClinVar (database versions not stated): TOPMed 0.00004; gnomAD 0.00006.
gnomAD v4.1: 6 of 152,576 alleles (0.0039%); highest among the groups gnomAD compares: African/African-American, 0.012%; no homozygotes.

Submission:

GeneDx
Classification: Likely benign. Last evaluated: 2017-05-22. Review status: criteria provided, single submitter. Criteria: GeneDx Variant Classification (06012015). Collection method: clinical testing. Allele origin: germline. Affected: yes.
Comment: This variant is considered likely benign or benign based on one or more of the following criteria: it is a conservative change, it occurs at a poorly conserved position in the protein, it is predicted to be benign by multiple in silico algorithms, and/or has population frequency not consistent with disease.